The following is an entry in ClinVar:

ClinVar aggregate classification (germline): Benign/Likely benign. Review status: criteria provided, multiple submitters, no conflicts (2 of 4 stars). 7 submissions from 7 submitters: Benign (3); Likely benign (3). 1 of the submissions does not count toward it. Last evaluated 2024-11-14.

Conditions:
Autosomal dominant nonsyndromic hearing loss 56. Also called: Deafness, autosomal dominant 56. Identifiers: Orphanet 90635, MedGen C3810170, MONDO:0014283, OMIM 615629.
TNC-related disorder. Also called: TNC-related condition.

Allele frequency attached by ClinVar (database versions not stated): 1000 Genomes Project 30x 0.00078; 1000 Genomes Project 0.00080; ExAC 0.00089; ESP Exome Variant Server 0.00092; gnomAD exomes 0.00106; gnomAD 0.00123 and 0.00125; TOPMed 0.00135.
gnomAD v4.1: 3,035 of 1,614,076 alleles (0.19%); highest among the groups gnomAD compares: Non-Finnish European, 0.24%; 3 homozygotes.

Submissions (7):

Blueprint Genetics
Classification: Likely benign. Last evaluated: 2024-11-14. Review status: criteria provided, single submitter. Criteria: ACMG Guidelines, 2015. Collection method: clinical testing. Allele origin: germline.

CeGaT Center for Human Genetics Tuebingen
Classification: Benign. Last evaluated: 2022-09-01. Review status: criteria provided, single submitter. Criteria: CeGaT Center For Human Genetics Tuebingen Variant Classification Criteria Version 2. Collection method: clinical testing. Allele origin: germline. Affected: yes. Observed: 1 variant allele.
Comment: TNC: BS1, BS2

Genome-Nilou Lab
Classification: Benign for Autosomal dominant nonsyndromic hearing loss 56. Last evaluated: 2022-03-15. Review status: criteria provided, single submitter. Criteria: ACMG Guidelines, 2015. Collection method: clinical testing. Allele origin: germline. Affected: no.

GeneDx
Classification: Likely benign. Last evaluated: 2021-06-15. Review status: criteria provided, single submitter. Criteria: GeneDx Variant Classification Process June 2021. Collection method: clinical testing. Allele origin: germline. Affected: yes.

Athena Diagnostics
Classification: Benign. Last evaluated: 2020-04-14. Review status: criteria provided, single submitter. Criteria: Athena Diagnostics Criteria. Collection method: clinical testing. Allele origin: unknown.

Breakthrough Genomics
Classification: Likely benign. Review status: criteria provided, single submitter. Criteria: ACMG Guidelines, 2015. Collection method: not provided. Allele origin: germline. Inheritance: Autosomal dominant inheritance. Affected: yes.

PreventionGenetics, part of Exact Sciences
Classification: Likely benign for TNC-related condition. Last evaluated: 2022-12-12. Review status: no assertion criteria provided. Collection method: clinical testing. Allele origin: germline. Not counted in ClinVar's aggregate classification.
Comment: This variant is classified as likely benign based on ACMG/AMP sequence variant interpretation guidelines (Richards et al. 2015 PMID: 25741868, with internal and published modifications).

NM_002160.4(TNC):c.61G>A (p.Glu21Lys)

Gene: TNC (tenascin C; minus strand). Cytogenetic location: 9q33.1.
Variant type: single nucleotide variant.
Coding change: c.61G>A on transcript NM_002160.4 (MANE Select); coding-DNA position 61, G replaced by A.
Protein change: p.Glu21Lys; replaces glutamic acid 21 with lysine.
Molecular consequence: missense variant.
Genome position (GRCh38, 1-based): chr9:115,090,958, C>T on the plus strand (G>A on the coding strand, the complement: TNC is on the minus strand). VCF-style: chr9-115090958-C-T. GRCh37 (hg19) VCF-style: chr9-117853237-C-T.
Other names: short protein forms E21K.
Identifiers: ClinVar variation 994555 (VCV000994555.37), dbSNP rs141126037, ClinGen allele CA5209156.